The following is an entry in ClinVar:

NM_024422.6(DSC2):c.114T>A (p.His38Gln)

Gene: DSC2 (desmocollin 2; minus strand). Cytogenetic location: 18q12.1.
Variant type: single nucleotide variant.
Coding change: c.114T>A on transcript NM_024422.6 (MANE Select); coding-DNA position 114, T replaced by A.
Protein change: p.His38Gln; replaces histidine 38 with glutamine.
Molecular consequence: missense variant.
Genome position (GRCh38, 1-based): chr18:31,093,599, A>T on the plus strand (T>A on the coding strand, the complement: DSC2 is on the minus strand). VCF-style: chr18-31093599-A-T. GRCh37 (hg19) VCF-style: chr18-28673562-A-T.
Other names: c.114T>A, p.His38Gln (NM_004949.5); short protein forms H38Q.
Identifiers: ClinVar variation 1403602 (VCV001403602.6), dbSNP rs1987672342, ClinGen allele CA16622092.

ClinVar aggregate classification (germline): Conflicting classifications of pathogenicity. Review status: criteria provided, conflicting classifications (1 of 4 stars). 2 submissions from 2 submitters: Uncertain significance (1); Likely benign (1). Last evaluated 2022-02-23.

Conditions:
Arrhythmogenic right ventricular dysplasia 11. Also called: Arrhythmogenic Right Ventricular Dysplasia/Cardiomyopathy11; Arrhythmogenic right ventricular dysplasia 11 with mild palmoplantar keratoderma and woolly hair; ARRHYTHMOGENIC RIGHT VENTRICULAR DYSPLASIA, FAMILIAL, 11. Identifiers: MedGen C1864850, MONDO:0012506, OMIM 610476.

gnomAD v4.1: 1 of 1,604,716 alleles (0.000062%); no homozygotes.

Submissions (2):

Labcorp Genetics (formerly Invitae), Labcorp
Classification: Uncertain significance for Arrhythmogenic right ventricular dysplasia 11. Last evaluated: 2022-02-23. Review status: criteria provided, single submitter. Criteria: Invitae Variant Classification Sherloc (09022015). Collection method: clinical testing. Allele origin: germline.
Comment: This sequence change replaces histidine, which is basic and polar, with glutamine, which is neutral and polar, at codon 38 of the DSC2 protein (p.His38Gln). This variant is not present in population databases (gnomAD no frequency). This variant has not been reported in the literature in individuals affected with DSC2-related conditions. Algorithms developed to predict the effect of missense changes on protein structure and function output the following: SIFT: "Tolerated"; PolyPhen-2: "Benign"; Align-GVGD: "Class C0". The glutamine amino acid residue is found in multiple mammalian species, which suggests that this missense change does not adversely affect protein function. In summary, the available evidence is currently insufficient to determine the role of this variant in disease. Therefore, it has been classified as a Variant of Uncertain Significance.

Blueprint Genetics
Classification: Likely benign. Last evaluated: 2018-05-31. Review status: criteria provided, single submitter. Criteria: ACMG Guidelines, 2015. Collection method: clinical testing. Allele origin: germline.